The following is an entry in ClinVar:

ClinVar aggregate classification (germline): Pathogenic (1 of 4 stars; one submission).

Conditions:
Breast-ovarian cancer, familial, susceptibility to, 2 (BROVCA2). Also called: BRCA2 Hereditary Breast and Ovarian Cancer. Identifiers: Orphanet 145, MedGen C2675520, MONDO:0012933, OMIM 612555. Disease mechanism: loss of function.

Submission:

Myriad Genetics, Inc.
Classification: Pathogenic for Breast-ovarian cancer, familial, susceptibility to, 2. Last evaluated: 2024-11-25. Review status: criteria provided, single submitter. Criteria: Myriad Autosomal Dominant, Autosomal Recessive and X-Linked Classification Criteria (2023). Collection method: clinical testing. Allele origin: unknown.
Comment: This variant is considered pathogenic. This variant creates a frameshift predicted to result in premature protein truncation.

NM_000059.4(BRCA2):c.439del (p.Gln147fs)

Gene: BRCA2 (BRCA2 DNA repair associated; plus strand). Cytogenetic location: 13q13.1.
Variant type: Deletion.
Coding change: c.439del on transcript NM_000059.4 (MANE Select); coding-DNA position 439, one base deleted (C; older notation c.439delC).
Protein change: p.Gln147fs; shifts the reading frame from glutamine 147.
Molecular consequence: frameshift variant. On other transcripts: non-coding transcript variant (1).
Genome position (GRCh38, 1-based): chr13:32,326,114, C deleted. VCF-style (leftmost placement, unchanged base first): chr13-32326113-AC-A. GRCh37 (hg19) VCF-style: chr13-32900250-AC-A.
Other names: c.439del, p.Gln147fs (NM_001406719.1, NM_001406720.1, NM_001406721.1 and 1 more transcripts); c.70del, p.Gln24fs (NM_001406722.1); short protein forms Q147fs, Q24fs.
Identifiers: ClinVar variation 3773155 (VCV003773155.1).